The following is an entry in ClinVar:

ClinVar aggregate classification (germline): Uncertain significance (1 of 4 stars; one submission).

Allele frequency attached by ClinVar (database versions not stated): gnomAD 0.00048; TOPMed 0.00057; 1000 Genomes Project 30x 0.00062; 1000 Genomes Project 0.00080; ExAC 0.00128.
gnomAD v4.1: 560 of 1,234,458 alleles (0.045%); highest among the groups gnomAD compares: Middle Eastern, 0.14%; 1 homozygote.

Submission:

CeGaT Center for Human Genetics Tuebingen
Classification: Uncertain significance. Last evaluated: 2023-08-01. Review status: criteria provided, single submitter. Criteria: CeGaT Center For Human Genetics Tuebingen Variant Classification Criteria Version 2. Collection method: clinical testing. Allele origin: germline. Affected: yes. Observed: 1 variant allele.
Comment: ARHGEF18: PM2

NM_001367823.1(ARHGEF18):c.34C>T (p.Arg12Trp)

Gene: ARHGEF18 (Rho/Rac guanine nucleotide exchange factor 18; plus strand). Cytogenetic location: 19p13.2.
Variant type: single nucleotide variant.
Coding change: c.34C>T on transcript NM_001367823.1 (MANE Select); coding-DNA position 34, C replaced by T.
Protein change: p.Arg12Trp; replaces arginine 12 with tryptophan.
Molecular consequence: missense variant.
Genome position (GRCh38, 1-based): chr19:7,372,830, C>T. VCF-style: chr19-7372830-C-T. GRCh37 (hg19) VCF-style: chr19-7437716-C-T.
Other names: short protein forms R12W.
Identifiers: ClinVar variation 2649154 (VCV002649154.24), dbSNP rs140250213, ClinGen allele CA9136198.